The following is an entry in ClinVar:

ClinVar aggregate classification (germline): Likely benign. Review status: criteria provided, multiple submitters, no conflicts (2 of 4 stars). 2 submissions from 2 submitters: Likely benign (2). Last evaluated 2024-02-29.

Conditions:
Autosomal recessive limb-girdle muscular dystrophy type 2J (LGMDR10). Also called: Limb-girdle muscular dystrophy, type 2J; MUSCULAR DYSTROPHY, LIMB-GIRDLE, AUTOSOMAL RECESSIVE 10. Identifiers: Orphanet 140922, MedGen C1837342, MONDO:0012127, OMIM 608807.
Dilated cardiomyopathy 1G (CMD1G). Identifiers: Orphanet 154, MedGen C1858763, MONDO:0011400, OMIM 604145.

Allele frequency attached by ClinVar (database versions not stated): gnomAD exomes 0.00001.
gnomAD v4.1: 3 of 1,613,402 alleles (0.00019%); highest among the groups gnomAD compares: Non-Finnish European, 0.00025%; no homozygotes.

Submissions (2):

Labcorp Genetics (formerly Invitae), Labcorp
Classification: Likely benign for Dilated cardiomyopathy 1G; Autosomal recessive limb-girdle muscular dystrophy type 2J. Last evaluated: 2024-02-29. Review status: criteria provided, single submitter. Criteria: Invitae Variant Classification Sherloc (09022015). Collection method: clinical testing. Allele origin: germline.

CeGaT Center for Human Genetics Tuebingen
Classification: Likely benign. Last evaluated: 2023-09-01. Review status: criteria provided, single submitter. Criteria: CeGaT Center For Human Genetics Tuebingen Variant Classification Criteria Version 2. Collection method: clinical testing. Allele origin: germline. Affected: yes. Observed: 1 variant allele.
Comment: TTN: BP4, BP7

NM_001267550.2(TTN):c.84147T>G (p.Thr28049=)

Genes: TTN (titin; minus strand), TTN-AS1 (TTN antisense RNA 1; plus strand). Cytogenetic location: 2q31.2.
Variant type: single nucleotide variant.
Coding change: c.84147T>G on transcript NM_001267550.2 (MANE Select); coding-DNA position 84147, T replaced by G.
Protein change: p.Thr28049=; no amino-acid change (threonine 28049 retained).
Molecular consequence: synonymous variant.
Genome position (GRCh38, 1-based): chr2:178,561,985, A>C on the plus strand (T>G on the coding strand, the complement: TTN is on the minus strand). VCF-style: chr2-178561985-A-C. GRCh37 (hg19) VCF-style: chr2-179426712-A-C.
Other names: c.79224T>G, p.Thr26408= (NM_001256850.1); c.56952T>G, p.Thr18984= (NM_003319.4); c.76443T>G, p.Thr25481= (NM_133378.4); c.57327T>G, p.Thr19109= (NM_133432.3); c.57528T>G, p.Thr19176= (NM_133437.4).
Identifiers: ClinVar variation 2651602 (VCV002651602.26), dbSNP rs1387058011, ClinGen allele CA430249049.
Genomic context (GRCh38, chr2:178,561,985, plus strand): 5'-ACAACTAACCTCATCAATACGTATAGGACCTGGAGGTCCTGGTCTGTCAAGGACAATTAT[A>C]GTAATAGGAACTGTTATGGATCCAGCACTGTTTGAAACACATAATTCATAAGTTCCAACA-3'
Protein context (NP_001254479.2, residues 28039-28059): NSAGSITVPI[Thr28049=]IIVLDRPGPP